The following is an entry in ClinVar:

ClinVar aggregate classification (germline): Uncertain significance. Review status: criteria provided, multiple submitters, no conflicts (2 of 4 stars). 2 submissions from 2 submitters: Uncertain significance (2). Last evaluated 2025-03-22.

Conditions:
Colorectal cancer, hereditary nonpolyposis, type 7. Identifiers: Orphanet 144, MedGen C1858380, MONDO:0013725, OMIM 614385.

Allele frequency attached by ClinVar (database versions not stated): gnomAD 0.00004 and 0.00030; gnomAD exomes 0.00004; ExAC 0.00005; TOPMed 0.00030.
gnomAD v4.1: 82 of 1,614,070 alleles (0.0051%); highest among the groups gnomAD compares: Admixed American, 0.0033%; 1 homozygote.

Submissions (2):

Ambry Genetics
Classification: Uncertain significance. Last evaluated: 2025-03-22. Review status: criteria provided, single submitter. Criteria: Ambry Variant Classification Scheme 2023. Collection method: clinical testing. Allele origin: germline.
Comment: The p.E884K variant (also known as c.2650G>A), located in coding exon 1 of the MLH3 gene, results from a G to A substitution at nucleotide position 2650. The glutamic acid at codon 884 is replaced by lysine, an amino acid with similar properties. This amino acid position is not well conserved in available vertebrate species. In addition, the in silico prediction for this alteration is inconclusive. Since supporting evidence is limited at this time, the clinical significance of this alteration remains unclear.

Labcorp Genetics (formerly Invitae), Labcorp
Classification: Uncertain significance for Colorectal cancer, hereditary nonpolyposis, type 7. Last evaluated: 2025-01-22. Review status: criteria provided, single submitter. Criteria: Invitae Variant Classification Sherloc (09022015). Collection method: clinical testing. Allele origin: germline.
Comment: This sequence change replaces glutamic acid, which is acidic and polar, with lysine, which is basic and polar, at codon 884 of the MLH3 protein (p.Glu884Lys). This variant is present in population databases (rs61752723, gnomAD 0.009%). This variant has not been reported in the literature in individuals affected with MLH3-related conditions. ClinVar contains an entry for this variant (Variation ID: 641949). An algorithm developed to predict the effect of missense changes on protein structure and function (PolyPhen-2) suggests that this variant is likely to be tolerated. In summary, the available evidence is currently insufficient to determine the role of this variant in disease. Therefore, it has been classified as a Variant of Uncertain Significance.

NM_001040108.2(MLH3):c.2650G>A (p.Glu884Lys)

Gene: MLH3 (mutL homolog 3; minus strand). Cytogenetic location: 14q24.3.
Variant type: single nucleotide variant.
Coding change: c.2650G>A on transcript NM_001040108.2 (MANE Select); coding-DNA position 2650, G replaced by A.
Protein change: p.Glu884Lys; replaces glutamic acid 884 with lysine.
Molecular consequence: missense variant.
Genome position (GRCh38, 1-based): chr14:75,047,006, C>T on the plus strand (G>A on the coding strand, the complement: MLH3 is on the minus strand). VCF-style: chr14-75047006-C-T. GRCh37 (hg19) VCF-style: chr14-75513709-C-T.
Other names: c.2650G>A, p.Glu884Lys (NM_014381.3); short protein forms E884K.
Identifiers: ClinVar variation 641949 (VCV000641949.14), dbSNP rs61752723, ClinGen allele CA7275664.